The following is an entry in ClinVar:

NM_001369268.1(ACAN):c.2228A>T (p.Glu743Val)

Gene: ACAN (aggrecan; plus strand). Cytogenetic location: 15q26.1.
Variant type: single nucleotide variant.
Coding change: c.2228A>T on transcript NM_001369268.1 (MANE Select); coding-DNA position 2228, A replaced by T.
Protein change: p.Glu743Val; replaces glutamic acid 743 with valine.
Molecular consequence: missense variant.
Genome position (GRCh38, 1-based): chr15:88,851,995, A>T. VCF-style: chr15-88851995-A-T. GRCh37 (hg19) VCF-style: chr15-89395226-A-T.
Other names: c.2228A>T, p.Glu743Val (NM_001135.4, NM_013227.4); short protein forms E743V.
Identifiers: ClinVar variation 1208682 (VCV001208682.3), dbSNP rs2141596186, ClinGen allele CA393714342.
Genomic context (GRCh38, chr15:88,851,995, plus strand): 5'-CAGGGGAGACTACTGCCATCCTAGAGTTCACCACCGAGCCAGAAAACCAGACAGAATGGG[A>T]ACCAGCCTATACCCCAGTGGGCACATCCCCGCTGCCAGGTTGGTATGGCTTGGGTTCTGG-3'
Protein context (NP_001356197.1, residues 733-753): TTEPENQTEW[Glu743Val]PAYTPVGTSP

ClinVar aggregate classification (germline): Uncertain significance (1 of 4 stars; one submission).

Submission:

GeneDx
Classification: Uncertain significance. Last evaluated: 2019-10-10. Review status: criteria provided, single submitter. Criteria: GeneDx Variant Classification Process June 2021. Collection method: clinical testing. Allele origin: germline. Affected: yes.
Comment: Not observed in large population cohorts (Lek et al., 2016); In silico analysis, which includes protein predictors and evolutionary conservation, supports a deleterious effect; Has not been previously published as pathogenic or benign to our knowledge